The following is an entry in ClinVar:

ClinVar aggregate classification (germline): Uncertain significance. Review status: criteria provided, multiple submitters, no conflicts (2 of 4 stars). 2 submissions from 2 submitters: Uncertain significance (2). Last evaluated 2024-03-08.

Conditions:
WDR11-related disorder. Also called: WDR11-related condition.

Allele frequency attached by ClinVar (database versions not stated): gnomAD exomes below 0.00001; TOPMed below 0.00001; ExAC 0.00001.
gnomAD v4.1: 10 of 1,614,196 alleles (0.00062%); highest among the groups gnomAD compares: East Asian, 0.0045%; no homozygotes.

Submissions (2):

Women's Health and Genetics/Laboratory Corporation of America, LabCorp
Classification: Uncertain significance. Last evaluated: 2024-03-08. Review status: criteria provided, single submitter. Criteria: LabCorp Variant Classification Summary - May 2015. Collection method: clinical testing. Allele origin: germline.
Comment: Variant summary: WDR11 c.3607G>A (p.Ala1203Thr) results in a non-conservative amino acid change in the encoded protein sequence. Five of five in-silico tools predict a damaging effect of the variant on protein function. The variant allele was found at a frequency of 4e-06 in 251496 control chromosomes. The available data on variant occurrences in the general population are insufficient to allow any conclusion about variant significance. c.3607G>A has been reported in the literature in individuals affected with WDR11-Related Disorders (Eggers_2016). These report(s) do not provide unequivocal conclusions about association of the variant with WDR11-Related Disorders. To our knowledge, no experimental evidence demonstrating an impact on protein function has been reported. The following publication have been ascertained in the context of this evaluation (PMID: 27899157). ClinVar contains an entry for this variant (Variation ID: 2635649). Based on the evidence outlined above, the variant was classified as uncertain significance.

PreventionGenetics, part of Exact Sciences
Classification: Uncertain significance for WDR11-related condition. Last evaluated: 2023-01-04. Review status: criteria provided, single submitter. Criteria: ACMG Guidelines, 2015. Collection method: clinical testing. Allele origin: germline.
Comment: The WDR11 c.3607G>A variant is predicted to result in the amino acid substitution p.Ala1203Thr. This variant has been previously reported in twins with hypospadias (Table S1- Eggers et al 2016. PubMed ID: 27899157). To date, this variant is reported in 1 out of ~252,000 alleles in gnomAD. At this time, the clinical significance of this variant is uncertain due to the absence of conclusive functional and genetic evidence.

Literature cited by the submitters: PubMed 27899157 (cited by Women's Health and Genetics/Laboratory Corporation of America, LabCorp).

NM_018117.12(WDR11):c.3607G>A (p.Ala1203Thr)

Gene: WDR11 (WD repeat domain 11; plus strand). Cytogenetic location: 10q26.12.
Variant type: single nucleotide variant.
Coding change: c.3607G>A on transcript NM_018117.12 (MANE Select); coding-DNA position 3607, G replaced by A.
Protein change: p.Ala1203Thr; replaces alanine 1203 with threonine.
Molecular consequence: missense variant.
Genome position (GRCh38, 1-based): chr10:120,908,645, G>A. VCF-style: chr10-120908645-G-A. GRCh37 (hg19) VCF-style: chr10-122668157-G-A.
Other names: short protein forms A1203T.
Identifiers: ClinVar variation 2635649 (VCV002635649.3), dbSNP rs747665599, ClinGen allele CA5720390.